The following is an entry in ClinVar:

ClinVar aggregate classification (germline): Uncertain significance (1 of 4 stars; one submission).

Allele frequency attached by ClinVar (database versions not stated): gnomAD exomes below 0.00001.
gnomAD v4.1: 6 of 1,613,350 alleles (0.00037%); highest among the groups gnomAD compares: Non-Finnish European, 0.00051%; no homozygotes.

Submission:

CeGaT Center for Human Genetics Tuebingen
Classification: Uncertain significance. Last evaluated: 2022-09-01. Review status: criteria provided, single submitter. Criteria: CeGaT Center For Human Genetics Tuebingen Variant Classification Criteria Version 2. Collection method: clinical testing. Allele origin: germline. Affected: yes. Observed: 1 variant allele.
Comment: SYNE1: PM2

NM_182961.4(SYNE1):c.22507G>A (p.Glu7503Lys)

Gene: SYNE1 (spectrin repeat containing nuclear envelope protein 1; minus strand). Cytogenetic location: 6q25.2.
Variant type: single nucleotide variant.
Coding change: c.22507G>A on transcript NM_182961.4 (MANE Select); coding-DNA position 22507, G replaced by A.
Protein change: p.Glu7503Lys; replaces glutamic acid 7503 with lysine.
Molecular consequence: missense variant.
Genome position (GRCh38, 1-based): chr6:152,211,576, C>T on the plus strand (G>A on the coding strand, the complement: SYNE1 is on the minus strand). VCF-style: chr6-152211576-C-T. GRCh37 (hg19) VCF-style: chr6-152532711-C-T.
Other names: c.22294G>A, p.Glu7432Lys (NM_033071.5); short protein forms E7432K, E7503K.
Identifiers: ClinVar variation 2657004 (VCV002657004.24), dbSNP rs1587910045, ClinGen allele CA366098375.